The following is an entry in ClinVar:

NM_000384.3(APOB):c.9871C>T (p.Arg3291Cys)

Gene: APOB (apolipoprotein B; minus strand). Cytogenetic location: 2p24.1.
Variant type: single nucleotide variant.
Coding change: c.9871C>T on transcript NM_000384.3 (MANE Select); coding-DNA position 9871, C replaced by T.
Protein change: p.Arg3291Cys; replaces arginine 3291 with cysteine.
Molecular consequence: missense variant.
Genome position (GRCh38, 1-based): chr2:21,006,997, G>A on the plus strand (C>T on the coding strand, the complement: APOB is on the minus strand). VCF-style: chr2-21006997-G-A. GRCh37 (hg19) VCF-style: chr2-21229869-G-A.
Other names: short protein forms R3291C.
Identifiers: ClinVar variation 1768460 (VCV001768460.6), dbSNP rs769491475, ClinGen allele CA066925.
Genomic context (GRCh38, chr2:21,006,997, plus strand): 5'-TAGGGACATGAAGGACTGGCAGCTCTAATGATGGCAGGATTAATGTGTATGAAGGCACAC[G>A]GACGTCAGAACCTAGGATGGAGAAACTAGGCATGCTGACTGCTTTTGGGAACACATAGCC-3'
Protein context (NP_000375.3, residues 3281-3301): PSFSILGSDV[Arg3291Cys]VPSYTLILPS

ClinVar aggregate classification (germline): Conflicting classifications of pathogenicity. Review status: criteria provided, conflicting classifications (1 of 4 stars). 3 submissions from 3 submitters: Uncertain significance (2); Likely benign (1). Last evaluated 2025-09-01.

Conditions:
Familial hypobetalipoproteinemia 1. Also called: APOB-Related Familial Hypobetalipoproteinemia; Hypobetalipoproteinemia, normotriglyceridemic; Acanthocytosis with hypobetalipoproteinemia. Identifiers: MedGen C4551990, MONDO:0014252, OMIM 615558.
Hypercholesterolemia, autosomal dominant, type B (FHCL2). Also called: Hyperlipoproteinemia Type IIb; Familial hypercholesterolemia 2; Familial Hypercholesterolemia Type B; APOLIPOPROTEIN B-100, FAMILIAL DEFECTIVE; APOLIPOPROTEIN B-100, FAMILIAL LIGAND-DEFECTIVE; HYPERCHOLESTEROLEMIA, FAMILIAL, DUE TO LIGAND-DEFECTIVE APOLIPOPROTEIN B. Identifiers: MedGen C1704417, MONDO:0007751, OMIM 144010.
Cardiovascular phenotype. Identifiers: MedGen CN230736.

Allele frequency attached by ClinVar (database versions not stated): ExAC 0.00001; gnomAD 0.00001; gnomAD exomes 0.00002; TOPMed 0.00002.
gnomAD v4.1: 26 of 1,613,936 alleles (0.0016%); highest among the groups gnomAD compares: Non-Finnish European, 0.002%; no homozygotes.

Submissions (3):

Labcorp Genetics (formerly Invitae), Labcorp
Classification: Likely benign for Familial hypobetalipoproteinemia 1; Hypercholesterolemia, autosomal dominant, type B. Last evaluated: 2025-09-01. Review status: criteria provided, single submitter. Criteria: Invitae Variant Classification Sherloc (09022015). Collection method: clinical testing. Allele origin: germline.

Molecular Diagnostic Laboratory for Inherited Cardiovascular Disease, Montreal Heart Institute
Classification: Uncertain significance for Cardiovascular phenotype. Last evaluated: 2025-04-09. Review status: criteria provided, single submitter. Criteria: ACMG Guidelines, 2015. Collection method: clinical testing. Allele origin: germline. Affected: yes.

Ambry Genetics
Classification: Uncertain significance for Cardiovascular phenotype. Last evaluated: 2023-11-09. Review status: criteria provided, single submitter. Criteria: Ambry Variant Classification Scheme 2023. Collection method: clinical testing. Allele origin: germline.
Comment: The p.R3291C variant (also known as c.9871C>T), located in coding exon 26 of the APOB gene, results from a C to T substitution at nucleotide position 9871. The arginine at codon 3291 is replaced by cysteine, an amino acid with highly dissimilar properties. This amino acid position is conserved. In addition, this alteration is predicted to be tolerated by in silico analysis. Since supporting evidence is limited at this time, the clinical significance of this alteration remains unclear.